The following is an entry in ClinVar:

ClinVar aggregate classification (germline): Uncertain significance (1 of 4 stars; one submission).

Conditions:
Inborn genetic diseases. Identifiers: MedGen C0950123, MeSH D030342.

gnomAD v4.1: 7 of 1,613,968 alleles (0.00043%); highest among the groups gnomAD compares: Non-Finnish European, 0.00059%; no homozygotes.

Submission:

Ambry Genetics
Classification: Uncertain significance for Inborn genetic diseases. Last evaluated: 2025-06-26. Review status: criteria provided, single submitter. Criteria: Ambry Variant Classification Scheme 2023. Collection method: clinical testing. Allele origin: germline.
Comment: The p.L1475I variant (also known as c.4423C>A), located in coding exon 1 of the SAMD9L gene, results from a C to A substitution at nucleotide position 4423. The leucine at codon 1475 is replaced by isoleucine, an amino acid with highly similar properties. This amino acid position is conserved. In addition, this alteration is predicted to be tolerated by in silico analysis. Based on the available evidence, the clinical significance of this variant remains unclear.

NM_152703.5(SAMD9L):c.4423C>A (p.Leu1475Ile)

Gene: SAMD9L (sterile alpha motif domain containing 9 like; minus strand). Cytogenetic location: 7q21.2.
Variant type: single nucleotide variant.
Coding change: c.4423C>A on transcript NM_152703.5 (MANE Select); coding-DNA position 4423, C replaced by A.
Protein change: p.Leu1475Ile; replaces leucine 1475 with isoleucine.
Molecular consequence: missense variant.
Genome position (GRCh38, 1-based): chr7:93,131,549, G>T on the plus strand (C>A on the coding strand, the complement: SAMD9L is on the minus strand). VCF-style: chr7-93131549-G-T. GRCh37 (hg19) VCF-style: chr7-92760862-G-T.
Other names: c.4423C>A, p.Leu1475Ile (NM_001303496.3, NM_001303497.3, NM_001303498.3 and 5 more transcripts); short protein forms L1475I.
Identifiers: ClinVar variation 4159277 (VCV004159277.1).